The following is an entry in ClinVar:

ClinVar aggregate classification (germline): Likely pathogenic (1 of 4 stars; one submission).

Conditions:
Hereditary angioedema type 1 (HAE1). Identifiers: Orphanet 100050, Orphanet 100051, Orphanet 91378, MedGen C2717906, MONDO:0015053, OMIM 106100.

Submission:

DNA-diagnostics Laboratory, Research Centre For Medical Genetics
Classification: Likely pathogenic for Hereditary angioedema type 1. Last evaluated: 2024-08-11. Review status: criteria provided, single submitter. Criteria: ACMG Guidelines, 2015. Collection method: research. Allele origin: germline. Inheritance: Autosomal dominant inheritance. Affected: yes. Observed: 1 heterozygote.
Comment: The pathogenic or likely pathogenic SERPING1 gene variants are detected in >90% of the HAE1/2 families and in >80% of the total HAE families (e.g., DOI: 10.1016/j.molimm.2008.05.007, 10.1159/2F000138883, 10.1016/j.molimm.2011.07.010). According to our observation the c.704_721del variant in SERPING1 meets ACMG/ClinGen SVI guidance criteria to be classified as likely pathogenic: PP4_Str, PM4, PM2_Sup

NM_000062.3(SERPING1):c.704_721del (p.Thr235_Ser240del)

Gene: SERPING1 (serpin family G member 1; plus strand). Cytogenetic location: 11q12.1.
Variant type: Deletion.
Coding change: c.704_721del on transcript NM_000062.3 (MANE Select); coding-DNA positions 704 to 721, 18 bases deleted (CCTTTGTGAATGCCTCTC).
Protein change: p.Thr235_Ser240del.
Molecular consequence: inframe deletion.
Genome position (GRCh38, 1-based): chr11:57,606,028-57,606,045, CCTTTGTGAATGCCTCTC deleted. VCF-style (leftmost placement, unchanged base first): chr11-57606027-ACCTTTGTGAATGCCTCTC-A. GRCh37 (hg19) VCF-style: chr11-57373500-ACCTTTGTGAATGCCTCTC-A.
Other names: c.704_721del, p.Thr235_Ser240del (NM_001032295.2).
Identifiers: ClinVar variation 3336840 (VCV003336840.2).